The following is an entry in ClinVar:

ClinVar aggregate classification (germline): Uncertain significance. Review status: criteria provided, multiple submitters, no conflicts (2 of 4 stars). 2 submissions from 2 submitters: Uncertain significance (2). Last evaluated 2022-05-04.

Conditions:
Osteogenesis imperfecta type 7 (OI7). Also called: OI type 7; OI type VII; OSTEOGENESIS IMPERFECTA, TYPE IIB; Osteogenesis imperfecta type 2B; OI type 2B; Osteogenesis imperfecta, perinatal lethal autosomal recessive. Identifiers: MedGen C1853162, MONDO:0012536, OMIM 610682.

Allele frequency attached by ClinVar (database versions not stated): gnomAD 0.00001; gnomAD exomes 0.00001; TOPMed 0.00005.
gnomAD v4.1: 8 of 1,613,890 alleles (0.0005%); highest among the groups gnomAD compares: Admixed American, 0.0017%; no homozygotes.

Submissions (2):

Labcorp Genetics (formerly Invitae), Labcorp
Classification: Uncertain significance for Osteogenesis imperfecta type 7. Last evaluated: 2022-05-04. Review status: criteria provided, single submitter. Criteria: Invitae Variant Classification Sherloc (09022015). Collection method: clinical testing. Allele origin: germline.
Comment: This sequence change replaces glutamic acid, which is acidic and polar, with lysine, which is basic and polar, at codon 179 of the CRTAP protein (p.Glu179Lys). This variant is not present in population databases (gnomAD no frequency). This variant has not been reported in the literature in individuals affected with CRTAP-related conditions. ClinVar contains an entry for this variant (Variation ID: 665607). Algorithms developed to predict the effect of missense changes on protein structure and function (SIFT, PolyPhen-2, Align-GVGD) all suggest that this variant is likely to be tolerated. In summary, the available evidence is currently insufficient to determine the role of this variant in disease. Therefore, it has been classified as a Variant of Uncertain Significance.

Revvity Omics, Revvity
Classification: Uncertain significance for Osteogenesis imperfecta type 7. Last evaluated: 2019-04-25. Review status: criteria provided, single submitter. Criteria: ACMG Guidelines, 2015. Collection method: clinical testing. Allele origin: germline.

NM_006371.5(CRTAP):c.535G>A (p.Glu179Lys)

Gene: CRTAP (cartilage associated protein; plus strand). Cytogenetic location: 3p22.3.
Variant type: single nucleotide variant.
Coding change: c.535G>A on transcript NM_006371.5 (MANE Select); coding-DNA position 535, G replaced by A.
Protein change: p.Glu179Lys; replaces glutamic acid 179 with lysine.
Molecular consequence: missense variant. On other transcripts: intron variant (1).
Genome position (GRCh38, 1-based): chr3:33,120,407, G>A. VCF-style: chr3-33120407-G-A. GRCh37 (hg19) VCF-style: chr3-33161899-G-A.
Other names: c.535G>A, p.Glu179Lys (NM_001393363.1, NM_001393364.1); c.472-4001G>A (NM_001393365.1); short protein forms E179K.
Identifiers: ClinVar variation 665607 (VCV000665607.7), dbSNP rs953081958, ClinGen allele CA72703629.
Genomic context (GRCh38, chr3:33,120,407, plus strand): 5'-AATAATCTCCCCAAAGCCATCGCCGCTGCTCACACCTTTCTACTGAAGCATCCTGATGAC[G>A]AAATGATGAAGAGGAACATGGCATATTATAAGAGCCTGCCTGGTGCCGAGGACTACATTA-3'
Protein context (NP_006362.1, residues 169-189): HTFLLKHPDD[Glu179Lys]MMKRNMAYYK